The following is an entry in ClinVar:

ClinVar aggregate classification (germline): Uncertain significance (1 of 4 stars; one submission).

Conditions:
Familial adenomatous polyposis 1 (FAP1). Also called: POLYPOSIS, ADENOMATOUS INTESTINAL; FAMILIAL ADENOMATOUS POLYPOSIS 1, ATTENUATED. Identifiers: MedGen C2713442, MONDO:0021056, OMIM 175100. Disease mechanism: loss of function.

Submission:

Labcorp Genetics (formerly Invitae), Labcorp
Classification: Uncertain significance for Familial adenomatous polyposis 1. Last evaluated: 2023-11-03. Review status: criteria provided, single submitter. Criteria: Invitae Variant Classification Sherloc (09022015). Collection method: clinical testing. Allele origin: germline.
Comment: This sequence change affects the initiator methionine of the APC mRNA. The next in-frame methionine is located at codon 18. This variant is not present in population databases (gnomAD no frequency). This variant has not been reported in the literature in individuals affected with APC-related conditions. Experimental studies and prediction algorithms are not available or were not evaluated, and the functional significance of this variant is currently unknown. In summary, the available evidence is currently insufficient to determine the role of this variant in disease. Therefore, it has been classified as a Variant of Uncertain Significance.

NM_000038.6(APC):c.3G>A (p.Met1Ile)

Gene: APC (APC regulator of Wnt signaling pathway; plus strand). Cytogenetic location: 5q22.2.
Variant type: single nucleotide variant.
Coding change: c.3G>A on transcript NM_000038.6 (MANE Select); coding-DNA position 3, G replaced by A.
Protein change: p.Met1Ile; changes the start codon (methionine 1).
Molecular consequence: missense variant, initiator codon variant. On other transcripts: 5 prime UTR variant (4), non-coding transcript variant (2), intron variant (11).
Genome position (GRCh38, 1-based): chr5:112,754,893, G>A. VCF-style: chr5-112754893-G-A. GRCh37 (hg19) VCF-style: chr5-112090590-G-A.
Other names: c.3G>A, p.Met1Ile (NM_001127510.3, NM_001354895.2, NM_001354896.2 and 16 more transcripts); c.-1033G>A (NM_001354906.2, NM_001407470.1, NM_001407471.1 and 1 more transcripts); c.166-11433G>A (NM_001407446.1, NM_001354897.2, NM_001354902.2 and 1 more transcripts); c.-42-11433G>A (NM_001407453.1, NM_001354900.2, NM_001354901.2 and 1 more transcripts); c.61-11433G>A (NM_001407451.1, NM_001354898.2, NM_001354904.2); short protein forms M1I.
Identifiers: ClinVar variation 2750272 (VCV002750272.3), dbSNP rs2149737180, ClinGen allele CA16021341.